The following is an entry in ClinVar:

ClinVar aggregate classification (germline): Uncertain significance (1 of 4 stars; one submission).

Conditions:
Hajdu-Cheney syndrome (HJCYS). Also called: ACROOSTEOLYSIS WITH OSTEOPOROSIS AND CHANGES IN SKULL AND MANDIBLE; SERPENTINE FIBULA-POLYCYSTIC KIDNEY SYNDROME; Acroosteolysis dominant type. Identifiers: Orphanet 955, MedGen C0917715, MONDO:0007057, OMIM 102500.

Allele frequency attached by ClinVar (database versions not stated): gnomAD exomes below 0.00001 and 0.00001.
gnomAD v4.1: 4 of 1,613,894 alleles (0.00025%); highest among the groups gnomAD compares: Non-Finnish European, 0.00034%; no homozygotes.

Submission:

Labcorp Genetics (formerly Invitae), Labcorp
Classification: Uncertain significance for Hajdu-Cheney syndrome. Last evaluated: 2023-06-03. Review status: criteria provided, single submitter. Criteria: Invitae Variant Classification Sherloc (09022015). Collection method: clinical testing. Allele origin: germline.
Comment: This variant is present in population databases (no rsID available, gnomAD 0.002%). In summary, the available evidence is currently insufficient to determine the role of this variant in disease. Therefore, it has been classified as a Variant of Uncertain Significance. Advanced modeling of protein sequence and biophysical properties (such as structural, functional, and spatial information, amino acid conservation, physicochemical variation, residue mobility, and thermodynamic stability) performed at Invitae indicates that this missense variant is not expected to disrupt NOTCH2 protein function. ClinVar contains an entry for this variant (Variation ID: 650161). This variant has not been reported in the literature in individuals affected with NOTCH2-related conditions. This sequence change replaces valine, which is neutral and non-polar, with alanine, which is neutral and non-polar, at codon 982 of the NOTCH2 protein (p.Val982Ala).

NM_024408.4(NOTCH2):c.2945T>C (p.Val982Ala)

Gene: NOTCH2 (notch receptor 2; minus strand). Cytogenetic location: 1p12.
Variant type: single nucleotide variant.
Coding change: c.2945T>C on transcript NM_024408.4 (MANE Select); coding-DNA position 2945, T replaced by C.
Protein change: p.Val982Ala; replaces valine 982 with alanine.
Molecular consequence: missense variant.
Genome position (GRCh38, 1-based): chr1:119,941,562, A>G on the plus strand (T>C on the coding strand, the complement: NOTCH2 is on the minus strand). VCF-style: chr1-119941562-A-G. GRCh37 (hg19) VCF-style: chr1-120484185-A-G.
Other names: c.2945T>C, p.Val982Ala (NM_001200001.2); short protein forms V982A.
Identifiers: ClinVar variation 650161 (VCV000650161.6), dbSNP rs992092842, ClinGen allele CA30283368.
Genomic context (GRCh38, chr1:119,941,562, plus strand): 5'-ATGCCCGAGGGACTGGTTGCTCACCTCTCAGTGCACTCATTGATGTTGTTCTCACAATGG[A>G]CTCCATCAAATCCTGCCTGGCACTTGCAAGTGTAACTGTTGACGTAGTCAGAGCAGGTCC-3'
Protein context (NP_077719.2, residues 972-992): TCKCQAGFDG[Val982Ala]HCENNINECT